The following is an entry in ClinVar:

NM_206933.4(USH2A):c.15250A>G (p.Lys5084Glu)

Gene: USH2A (usherin; minus strand). Cytogenetic location: 1q41.
Variant type: single nucleotide variant.
Coding change: c.15250A>G on transcript NM_206933.4 (MANE Select); coding-DNA position 15250, A replaced by G.
Protein change: p.Lys5084Glu; replaces lysine 5084 with glutamic acid.
Molecular consequence: missense variant.
Genome position (GRCh38, 1-based): chr1:215,634,506, T>C on the plus strand (A>G on the coding strand, the complement: USH2A is on the minus strand). VCF-style: chr1-215634506-T-C. GRCh37 (hg19) VCF-style: chr1-215807848-T-C.
Other names: short protein forms K5084E.
Identifiers: ClinVar variation 1058567 (VCV001058567.6), dbSNP rs745567070, ClinGen allele CA1392760.

ClinVar aggregate classification (germline): Uncertain significance (1 of 4 stars; one submission).

Allele frequency attached by ClinVar (database versions not stated): gnomAD exomes 0.00001; TOPMed below 0.00001; gnomAD 0.00001; ExAC 0.00002.
gnomAD v4.1: 10 of 1,614,110 alleles (0.00062%); highest among the groups gnomAD compares: African/African-American, 0.0013%; no homozygotes.

Submission:

Labcorp Genetics (formerly Invitae), Labcorp
Classification: Uncertain significance. Last evaluated: 2022-02-03. Review status: criteria provided, single submitter. Criteria: Invitae Variant Classification Sherloc (09022015). Collection method: clinical testing. Allele origin: germline.
Comment: This sequence change replaces lysine, which is basic and polar, with glutamic acid, which is acidic and polar, at codon 5084 of the USH2A protein (p.Lys5084Glu). The frequency data for this variant in the population databases is considered unreliable, as metrics indicate poor data quality at this position in the gnomAD database. This variant has not been reported in the literature in individuals affected with USH2A-related conditions. ClinVar contains an entry for this variant (Variation ID: 1058567). Algorithms developed to predict the effect of missense changes on protein structure and function are either unavailable or do not agree on the potential impact of this missense change (SIFT: "Deleterious"; PolyPhen-2: "Possibly Damaging"; Align-GVGD: "Class C0"). In summary, the available evidence is currently insufficient to determine the role of this variant in disease. Therefore, it has been classified as a Variant of Uncertain Significance.